The following is an entry in ClinVar:

NM_001999.4(FBN2):c.8161T>A (p.Cys2721Ser)

Gene: FBN2 (fibrillin 2; minus strand). Cytogenetic location: 5q23.3.
Variant type: single nucleotide variant.
Coding change: c.8161T>A on transcript NM_001999.4 (MANE Select); coding-DNA position 8161, T replaced by A.
Protein change: p.Cys2721Ser; replaces cysteine 2721 with serine.
Molecular consequence: missense variant.
Genome position (GRCh38, 1-based): chr5:128,263,456, A>T on the plus strand (T>A on the coding strand, the complement: FBN2 is on the minus strand). VCF-style: chr5-128263456-A-T. GRCh37 (hg19) VCF-style: chr5-127599148-A-T.
Other names: short protein forms C2721S.
Identifiers: ClinVar variation 4841629 (VCV004841629.1).
Genomic context (GRCh38, chr5:128,263,456, plus strand): 5'-CTATGTGCTGAGGCTGAAGGCCGCCTTACCCTTGTCCCACTCTGTAATACCCAGGGGGGC[A>T]GCCACAGAGGTAGCCCCCCTCCGTGTTAGAGCAGCCGTAATTGCAGGGGTTCTTGGAGGA-3'
Protein context (NP_001990.2, residues 2711-2731): SNTEGGYLCG[Cys2721Ser]PPGYYRVGQG

ClinVar aggregate classification (germline): Uncertain significance (1 of 4 stars; one submission).

Conditions:
Familial thoracic aortic aneurysm and aortic dissection (TAAD). Also called: Thoracic aortic aneurysms and dissections. Identifiers: Orphanet 91387, MedGen C4707243, MONDO:0019625.

Submission:

Ambry Genetics
Classification: Uncertain significance for Familial thoracic aortic aneurysm and aortic dissection. Last evaluated: 2025-12-30. Review status: criteria provided, single submitter. Criteria: Ambry Variant Classification Scheme 2023. Collection method: clinical testing. Allele origin: germline.
Comment: The p.C2721S variant (also known as c.8161T>A), located in coding exon 63 of the FBN2 gene, results from a T to A substitution at nucleotide position 8161. The cysteine at codon 2721 is replaced by serine, an amino acid with dissimilar properties. This amino acid position is conserved. In addition, this alteration is predicted to be deleterious by in silico analysis. Based on the available evidence, the clinical significance of this variant remains unclear.